The following is an entry in ClinVar:

NM_000064.4(C3):c.4311C>T (p.Ala1437=)

Gene: C3 (complement C3; minus strand). Cytogenetic location: 19p13.3.
Variant type: single nucleotide variant.
Coding change: c.4311C>T on transcript NM_000064.4 (MANE Select); coding-DNA position 4311, C replaced by T.
Protein change: p.Ala1437=; no amino-acid change (alanine 1437 retained).
Molecular consequence: synonymous variant.
Genome position (GRCh38, 1-based): chr19:6,681,980, G>A on the plus strand (C>T on the coding strand, the complement: C3 is on the minus strand). VCF-style: chr19-6681980-G-A. GRCh37 (hg19) VCF-style: chr19-6681991-G-A.
Other names: p.Ala1437=; c.4311C>T (LRG_27t1).
Identifiers: ClinVar variation 330285 (VCV000330285.19), dbSNP rs7951, ClinGen allele CA9128442.
Genomic context (GRCh38, chr19:6,681,980, plus strand): 5'-GGGAGGATGATGCAGCCTTACCTTGTCCAGGTAGATGATGAGGGTGTTCCTATCGGAGAA[G>A]GCTTTGTCCAGCTCATACTTGGAGATGTATCTGTCAACACCATTGGCCAGCTGGGGAAAG-3'
Protein context (NP_000055.2, residues 1427-1447): RYISKYELDK[Ala1437=]FSDRNTLIIY

ClinVar aggregate classification (germline): Benign/Likely benign. Review status: criteria provided, multiple submitters, no conflicts (2 of 4 stars). 10 submissions from 8 submitters: Benign (9); Likely benign (1). Last evaluated 2026-02-03.

Conditions:
Age related macular degeneration 9. Identifiers: MedGen C1969651, MONDO:0012659, OMIM 611378.
Atypical hemolytic-uremic syndrome with C3 anomaly. Also called: AHUS, SUSCEPTIBILITY TO, 5. Identifiers: Orphanet 2134, MedGen C2752037, MONDO:0013043, OMIM 612925.
Atypical hemolytic-uremic syndrome. Identifiers: Orphanet 2134, MedGen C2931788, MONDO:0016244.
Complement component 3 deficiency. Identifiers: Orphanet 280133, MedGen C3151071, MONDO:0013417, OMIM 613779.
C3 glomerulonephritis. Also called: C3 GLOMERULOPATHY 3; Nephropathy due to CFHR5 Deficiency. Identifiers: Orphanet 329931, MedGen C4055342, MONDO:0013892, OMIM 614809.

Allele frequency attached by ClinVar (database versions not stated): gnomAD exomes 0.07749 and 0.08402; TOPMed 0.08302; gnomAD 0.08524 and 0.08562; ExAC 0.08525; ESP Exome Variant Server 0.08696; 1000 Genomes Project 30x 0.08776; 1000 Genomes Project 0.09125.
gnomAD v4.1: 126,534 of 1,613,528 alleles (7.8%); highest among the groups gnomAD compares: South Asian, 9.5%; 5,204 homozygotes.

Submissions (10):

Labcorp Genetics (formerly Invitae), Labcorp
Classification: Benign. Last evaluated: 2026-02-03. Review status: criteria provided, single submitter. Criteria: Invitae Variant Classification Sherloc (09022015). Collection method: clinical testing. Allele origin: germline.

Women's Health and Genetics/Laboratory Corporation of America, LabCorp
Classification: Benign. Last evaluated: 2026-01-21. Review status: criteria provided, single submitter. Criteria: LabCorp Variant Classification Summary - May 2015. Collection method: clinical testing. Allele origin: germline.

Genomenon, Inc
Classification: Benign for Complement component 3 deficiency; C3 glomerulonephritis; Atypical hemolytic-uremic syndrome. Last evaluated: 2025-09-30. Review status: criteria provided, single submitter. Criteria: Genomenon Sequence Variant Interpretation Standards. Collection method: curation. Allele origin: germline. Affected: no.
Comment: C3 p.Ala1437= (c.4311C>T) is a synonymous variant that retains Alanine at residue 1437. This variant is present at high allele frequency in population databases. In conclusion, we classify C3 p.Ala1437= (c.4311C>T) as a benign variant.

Blueprint Genetics
Classification: Likely benign. Last evaluated: 2024-11-28. Review status: criteria provided, single submitter. Criteria: ACMG Guidelines, 2015. Collection method: clinical testing. Allele origin: germline.

Mayo Clinic Laboratories, Mayo Clinic
Classification: Benign. Last evaluated: 2022-03-10. Review status: criteria provided, single submitter. Criteria: ACMG Guidelines, 2015. Collection method: clinical testing. Allele origin: germline. Observed: 512 variant alleles.

GeneDx
Classification: Benign. Last evaluated: 2018-11-10. Review status: criteria provided, single submitter. Criteria: GeneDx Variant Classification Process June 2021. Collection method: clinical testing. Allele origin: germline. Affected: yes.

Illumina Laboratory Services, Illumina
Classification: Benign for Age related macular degeneration 9. Last evaluated: 2018-01-13. Review status: criteria provided, single submitter. Criteria: ICSL Variant Classification Criteria 13 December 2019. Collection method: clinical testing. Allele origin: germline.
Comment: This variant was observed in the ICSL laboratory as part of a predisposition screen in an ostensibly healthy population. It had not been previously curated by ICSL or reported in the Human Gene Mutation Database (HGMD: prior to June 1st, 2018), and was therefore a candidate for classification through an automated scoring system. Utilizing variant allele frequency, disease prevalence and penetrance estimates, and inheritance mode, an automated score was calculated to assess if this variant is too frequent to cause the disease. Based on the score and internal cut-off values, a variant classified as benign is not then subjected to further curation. The score for this variant resulted in a classification of benign for this disease.

Illumina Laboratory Services, Illumina
Classification: Benign for Complement component 3 deficiency. Last evaluated: 2018-01-13. Review status: criteria provided, single submitter. Criteria: ICSL Variant Classification Criteria 13 December 2019. Collection method: clinical testing. Allele origin: germline.
Comment: the same text as in the submission from Illumina Laboratory Services, Illumina above.

Illumina Laboratory Services, Illumina
Classification: Benign for Atypical hemolytic-uremic syndrome with C3 anomaly. Last evaluated: 2018-01-13. Review status: criteria provided, single submitter. Criteria: ICSL Variant Classification Criteria 13 December 2019. Collection method: clinical testing. Allele origin: germline.
Comment: the same text as in the submission from Illumina Laboratory Services, Illumina above.

Breakthrough Genomics
Classification: Benign. Review status: criteria provided, single submitter. Criteria: ACMG Guidelines, 2015. Collection method: not provided. Allele origin: germline. Inheritance: Autosomal recessive inheritance. Affected: yes.